The following is an entry in ClinVar:

NM_014694.4(ADAMTSL2):c.2737+1G>T

Gene: ADAMTSL2 (ADAMTS like 2; plus strand). Cytogenetic location: 9q34.2.
Variant type: single nucleotide variant.
Coding change: c.2737+1G>T on transcript NM_014694.4 (MANE Select); the canonical splice donor site of the intron after coding-DNA position 2737, G replaced by T.
Molecular consequence: splice donor variant.
Genome position (GRCh38, 1-based): chr9:133,573,988, G>T. VCF-style: chr9-133573988-G-T. GRCh37 (hg19) VCF-style: chr9-136439110-G-T.
Other names: c.2737+1G>T (NM_001145320.2).
Identifiers: ClinVar variation 1162207 (VCV001162207.3), dbSNP rs2131192568, ClinGen allele CA375413566.

ClinVar aggregate classification (germline): Likely pathogenic (1 of 4 stars; one submission).

Conditions:
Geleophysic dysplasia 1 (GPHYSD1). Also called: Geleophysic dwarfism. Identifiers: Orphanet 2623, MedGen C3278147, MONDO:0009269, OMIM 231050.

Submission:

Department of Paediatric Medicine, Post Graduation Institute of Medical Education and Research
Classification: Likely pathogenic for Geleophysic dysplasia 1. Last evaluated: 2018-08-23. Review status: criteria provided, single submitter. Criteria: ACMG Guidelines, 2015. Collection method: clinical testing. Allele origin: inherited. Inheritance: Autosomal recessive inheritance. Affected: yes. Observed: 1 variant allele, 1 heterozygote.
Comment: This is a novel variant, not present in control database. This variant disrupts the invariant GT donor splice site of exon 18. Family segregation analysis was done. It was present as comp heterozygous with another variant.